The following is an entry in ClinVar:

ClinVar aggregate classification (germline): Uncertain significance. Review status: criteria provided, multiple submitters, no conflicts (2 of 4 stars). 3 submissions from 3 submitters: Uncertain significance (3). Last evaluated 2025-06-10.

Conditions:
RASopathy. Also called: Noonan spectrum disorder; rasopathies. Identifiers: Orphanet 536391, MedGen C5555857, MONDO:0021060.

Allele frequency attached by ClinVar (database versions not stated): gnomAD 0.00003; TOPMed 0.00003.
gnomAD v4.1: 9 of 1,613,666 alleles (0.00056%); highest among the groups gnomAD compares: Non-Finnish European, 0.00076%; no homozygotes.

Submissions (3):

Labcorp Genetics (formerly Invitae), Labcorp
Classification: Uncertain significance for RASopathy. Last evaluated: 2025-06-10. Review status: criteria provided, single submitter. Criteria: Invitae Variant Classification Sherloc (09022015). Collection method: clinical testing. Allele origin: germline.
Comment: This sequence change replaces threonine, which is neutral and polar, with isoleucine, which is neutral and non-polar, at codon 292 of the MAP2K1 protein (p.Thr292Ile). This variant is present in population databases (no rsID available, gnomAD 0.007%). This variant has not been reported in the literature in individuals affected with MAP2K1-related conditions. ClinVar contains an entry for this variant (Variation ID: 503539). Invitae Evidence Modeling of protein sequence and biophysical properties (such as structural, functional, and spatial information, amino acid conservation, physicochemical variation, residue mobility, and thermodynamic stability) has been performed for this missense variant. However, the output from this modeling did not meet the statistical confidence thresholds required to predict the impact of this variant on MAP2K1 protein function. In summary, the available evidence is currently insufficient to determine the role of this variant in disease. Therefore, it has been classified as a Variant of Uncertain Significance.

GeneDx
Classification: Uncertain significance. Last evaluated: 2024-08-18. Review status: criteria provided, single submitter. Criteria: GeneDx Variant Classification Process June 2021. Collection method: clinical testing. Allele origin: germline. Affected: yes.
Comment: Missense variants in this gene are a common cause of disease and they are underrepresented in the general population; Has not been previously published as pathogenic or benign to our knowledge; In silico analysis indicates that this missense variant does not alter protein structure/function; This variant is associated with the following publications: (PMID: 29493581)

Laboratory for Molecular Medicine, Mass General Brigham Personalized Medicine
Classification: Uncertain significance. Last evaluated: 2018-03-06. Review status: criteria provided, single submitter. Criteria: LMM Criteria. Collection method: clinical testing. Allele origin: germline.
Comment: Disclaimer: This variant has not undergone full assessment. The following are preliminary notes: GnomAD 15:66777509 C / T low quality site, 1/14972 European chrs; Not in ClinVar, Google search or HGMD; predicted benign, not conserved

NM_002755.4(MAP2K1):c.875C>T (p.Thr292Ile)

Gene: MAP2K1 (mitogen-activated protein kinase kinase 1; plus strand). Cytogenetic location: 15q22.31.
Variant type: single nucleotide variant.
Coding change: c.875C>T on transcript NM_002755.4 (MANE Select); coding-DNA position 875, C replaced by T.
Protein change: p.Thr292Ile; replaces threonine 292 with isoleucine.
Molecular consequence: missense variant.
Genome position (GRCh38, 1-based): chr15:66,485,171, C>T. VCF-style: chr15-66485171-C-T. GRCh37 (hg19) VCF-style: chr15-66777509-C-T.
Other names: short protein forms T292I.
Identifiers: ClinVar variation 503539 (VCV000503539.9), dbSNP rs397516794, ClinGen allele CA392937406.
Genomic context (GRCh38, chr15:66,485,171, plus strand): 5'-AGCTGATGTTTGGGTGCCAGGTGGAAGGAGATGCGGCTGAGACCCCACCCAGGCCAAGGA[C>T]CCCCGGGAGGCCCCTTAGCTGTGAGTAGCCTGGTGTGTCCCCATCTTGGACTGTTGGAGG-3'
Protein context (NP_002746.1, residues 282-302): DAAETPPRPR[Thr292Ile]PGRPLSSYGM